The following is an entry in ClinVar:

ClinVar aggregate classification (germline): Likely benign (1 of 4 stars; one submission).

Conditions:
Melanoma-pancreatic cancer syndrome. Identifiers: Orphanet 404560, MedGen C1838547, MONDO:0011713, OMIM 606719. Disease mechanism: loss of function.

Submission:

Myriad Genetics, Inc.
Classification: Likely benign for Melanoma-pancreatic cancer syndrome. Last evaluated: 2025-08-12. Review status: criteria provided, single submitter. Criteria: Myriad Autosomal Dominant, Autosomal Recessive and X-Linked Classification Criteria (2023). Collection method: clinical testing. Allele origin: unknown.
Comment: This variant is considered likely benign. This variant is intronic and is not expected to impact mRNA splicing.

NM_058195.4(CDKN2A):c.193+8A>G

Gene: CDKN2A (cyclin dependent kinase inhibitor 2A; minus strand). Cytogenetic location: 9p21.3.
Variant type: single nucleotide variant.
Coding change: c.193+8A>G on transcript NM_058195.4 (MANE Plus Clinical); 8 bases into the intron after coding-DNA position 193, A replaced by G.
Molecular consequence: intron variant.
Genome position (GRCh38, 1-based): chr9:21,994,131, T>C on the plus strand (A>G on the coding strand, the complement: CDKN2A is on the minus strand). VCF-style: chr9-21994131-T-C. GRCh37 (hg19) VCF-style: chr9-21994130-T-C.
Other names: c.-4+690A>G (NM_001363763.2).
Identifiers: ClinVar variation 4294167 (VCV004294167.1).